The following is an entry in ClinVar:

ClinVar aggregate classification (germline): Uncertain significance. Review status: criteria provided, multiple submitters, no conflicts (2 of 4 stars). 2 submissions from 2 submitters: Uncertain significance (2). Last evaluated 2024-04-05.

Conditions:
Cardiovascular phenotype. Identifiers: MedGen CN230736.
Hereditary cancer-predisposing syndrome. Also called: Hereditary neoplastic syndrome; Hereditary Cancer Syndrome; Neoplastic Syndromes, Hereditary; Tumor predisposition. Identifiers: Orphanet 140162, MedGen C0027672, MeSH D009386, MONDO:0015356.
Neurofibromatosis, type 1 (NF1). Also called: Neurofibromatosis, type I; Peripheral type neurofibromatosis; VON RECKLINGHAUSEN DISEASE; NEUROFIBROMATOSIS, TYPE I, SOMATIC. Identifiers: Orphanet 636, MedGen C0027831, MONDO:0018975, OMIM 162200. Disease mechanism: loss of function.

Submissions (2):

Labcorp Genetics (formerly Invitae), Labcorp
Classification: Uncertain significance for Neurofibromatosis, type 1. Last evaluated: 2024-04-05. Review status: criteria provided, single submitter. Criteria: Invitae Variant Classification Sherloc (09022015). Collection method: clinical testing. Allele origin: germline.
Comment: This sequence change replaces threonine, which is neutral and polar, with serine, which is neutral and polar, at codon 1625 of the NF1 protein (p.Thr1625Ser). This variant is not present in population databases (gnomAD no frequency). This variant has not been reported in the literature in individuals affected with NF1-related conditions. Advanced modeling of protein sequence and biophysical properties (such as structural, functional, and spatial information, amino acid conservation, physicochemical variation, residue mobility, and thermodynamic stability) performed at Invitae indicates that this missense variant is expected to disrupt NF1 protein function with a positive predictive value of 95%. In summary, the available evidence is currently insufficient to determine the role of this variant in disease. Therefore, it has been classified as a Variant of Uncertain Significance.

Ambry Genetics
Classification: Uncertain significance for Cardiovascular phenotype; Hereditary cancer-predisposing syndrome. Last evaluated: 2023-09-05. Review status: criteria provided, single submitter. Criteria: Ambry Variant Classification Scheme 2023. Collection method: clinical testing. Allele origin: germline.
Comment: The p.T1625S variant (also known as c.4873A>T), located in coding exon 36 of the NF1 gene, results from an A to T substitution at nucleotide position 4873. The threonine at codon 1625 is replaced by serine, an amino acid with similar properties. This amino acid position is conserved. In addition, this alteration is predicted to be deleterious by in silico analysis. Since supporting evidence is limited at this time, the clinical significance of this alteration remains unclear.

NM_001042492.3(NF1):c.4936A>T (p.Thr1646Ser)

Gene: NF1 (neurofibromin 1; plus strand). Cytogenetic location: 17q11.2.
Variant type: single nucleotide variant.
Coding change: c.4936A>T on transcript NM_001042492.3 (MANE Select); coding-DNA position 4936, A replaced by T.
Protein change: p.Thr1646Ser; replaces threonine 1646 with serine.
Molecular consequence: missense variant.
Genome position (GRCh38, 1-based): chr17:31,325,920, A>T. VCF-style: chr17-31325920-A-T. GRCh37 (hg19) VCF-style: chr17-29652938-A-T.
Other names: c.4873A>T, p.Thr1625Ser (NM_000267.4); short protein forms T1646S, T1625S.
Identifiers: ClinVar variation 2739090 (VCV002739090.4), dbSNP rs2151537808, ClinGen allele CA399007147.